The following is an entry in ClinVar:

NM_030753.5(WNT3):c.16C>T (p.Leu6Phe)

Genes: LRRC37A2 (leucine rich repeat containing 37 member A2), WNT3 (Wnt family member 3; minus strand). Cytogenetic location: 17q21.32.
Variant type: single nucleotide variant.
Coding change: c.16C>T on transcript NM_030753.5 (MANE Select); coding-DNA position 16, C replaced by T.
Protein change: p.Leu6Phe; replaces leucine 6 with phenylalanine.
Molecular consequence: missense variant.
Genome position (GRCh38, 1-based): chr17:46,818,582, G>A on the plus strand (C>T on the coding strand, the complement: WNT3 is on the minus strand). VCF-style: chr17-46818582-G-A. GRCh37 (hg19) VCF-style: chr17-44895948-G-A.
Other names: short protein forms L6F.
Identifiers: ClinVar variation 3015463 (VCV003015463.3), dbSNP rs896697492, ClinGen allele CA291196331.

ClinVar aggregate classification (germline): Uncertain significance (1 of 4 stars; one submission).

Allele frequency attached by ClinVar (database versions not stated): TOPMed below 0.00001.
gnomAD v4.1: 7 of 1,603,096 alleles (0.00044%); highest among the groups gnomAD compares: Admixed American, 0.0051%; no homozygotes.

Submission:

Labcorp Genetics (formerly Invitae), Labcorp
Classification: Uncertain significance. Last evaluated: 2023-08-08. Review status: criteria provided, single submitter. Criteria: Invitae Variant Classification Sherloc (09022015). Collection method: clinical testing. Allele origin: germline.
Comment: In summary, the available evidence is currently insufficient to determine the role of this variant in disease. Therefore, it has been classified as a Variant of Uncertain Significance. An algorithm developed to predict the effect of missense changes on protein structure and function (PolyPhen-2) suggests that this variant is likely to be tolerated. This variant has not been reported in the literature in individuals affected with WNT3-related conditions. The frequency data for this variant in the population databases is considered unreliable, as metrics indicate poor data quality at this position in the gnomAD database. This sequence change replaces leucine, which is neutral and non-polar, with phenylalanine, which is neutral and non-polar, at codon 6 of the WNT3 protein (p.Leu6Phe).